The following is an entry in ClinVar:

ClinVar aggregate classification (germline): Uncertain significance. Review status: reviewed by expert panel (3 of 4 stars). 6 submissions from 6 submitters: Uncertain significance (1). 5 of the submissions do not count toward it. Last evaluated 2021-05-06.

Conditions:
Mitochondrial disease. Also called: Mitochondrial disorder; Mitochondrial disorders. Identifiers: Orphanet 68380, MedGen C0751651, MeSH D028361, MONDO:0044970.
POLG-related disorder. Also called: POLG-Related Spectrum Disorders; POLG-related condition; POLG-Related Disorders. Identifiers: MedGen C4763519.
Progressive sclerosing poliodystrophy (MTDPS4A). Also called: ALPERS DIFFUSE DEGENERATION OF CEREBRAL GRAY MATTER WITH HEPATIC CIRRHOSIS; Alpers Syndrome; Mitochondrial DNA Depletion Syndrome 4A; ALPERS PROGRESSIVE INFANTILE POLIODYSTROPHY; NEURONAL DEGENERATION OF CHILDHOOD WITH LIVER DISEASE, PROGRESSIVE; Mitochondrial DNA depletion syndrome 4A (Alpers type). Identifiers: Orphanet 726, MedGen C0205710, MONDO:0008758, OMIM 203700.

Allele frequency attached by ClinVar (database versions not stated): TOPMed 0.00003; gnomAD 0.00004; gnomAD exomes 0.00005; ExAC 0.00007.

Submissions (6):

ClinGen Mitochondrial Disease Nuclear and Mitochondrial  Variant Curation Expert Panel, ClinGen
Classification: Uncertain significance for Mitochondrial disease. Last evaluated: 2021-05-06. Review status: reviewed by expert panel. Criteria: clingen mito disease acmg specifications v1-1. Collection method: curation. Allele origin: germline. Inheritance: Autosomal recessive inheritance.
Comment: The c.3451C>T (p.L1151L) variant in POLG is present in population databases ExAC at 0.11% frequency and not observed in homozygotes (no criteria is met). There is limited computational predictions and the tool Revel unavailable given limited data. This variant is a coding synonymous change (BP7). In summary, there is not sufficient evidence to characterize this variant as pathogenic or benign, therefore it is characterized as a variant of uncertain significance for primary mitochondrial disease inherited in a autosomal recessive manner. ntDNA Mitochondrial ACMG-AMP Criteria for POLG applied: BP7

Labcorp Genetics (formerly Invitae), Labcorp
Classification: Likely benign for Progressive sclerosing poliodystrophy. Last evaluated: 2025-12-30. Review status: criteria provided, single submitter. Criteria: Invitae Variant Classification Sherloc (09022015). Collection method: clinical testing. Allele origin: germline. Not counted in ClinVar's aggregate classification.

Blueprint Genetics
Classification: Likely benign. Last evaluated: 2024-02-12. Review status: criteria provided, single submitter. Criteria: ACMG Guidelines, 2015. Collection method: clinical testing. Allele origin: germline. Not counted in ClinVar's aggregate classification.

Wong Mito Lab, Molecular and Human Genetics, Baylor College of Medicine
Classification: Likely benign for Progressive sclerosing poliodystrophy. Last evaluated: 2018-10-01. Review status: criteria provided, single submitter. Criteria: ACMG Guidelines, 2015. Collection method: clinical testing. Allele origin: germline. Not counted in ClinVar's aggregate classification.
Comment: The NM_002693.2:c.3451C>T (NP_002684.1:p.Leu1151=) [GRCH38: NC_000015.10:g.89318572G>A] variant in POLG gene is interpretated to be a Likely Benign based on ACMG guidelines (PMID: 25741868). This variant meets the following evidence codes reported in the ACMG-guideline. BS1:The minor allele frequency of this allele is high for Mitochondrial DNA depletion syndrome 4A (Alpers type). BP4:Computational evidence/predictors indicate no impact on the POLG structure, function, or protein-protein interaction. BP7:The variant is silent with non predicted splice impact. Based on the evidence criteria codes applied, the variant is suggested to be Likely Benign.

GeneDx
Classification: Benign. Last evaluated: 2015-04-29. Review status: criteria provided, single submitter. Criteria: GeneDx Variant Classification (06012015). Collection method: clinical testing. Allele origin: germline. Affected: yes. Not counted in ClinVar's aggregate classification.
Comment: This variant is considered likely benign or benign based on one or more of the following criteria: it is a conservative change, it occurs at a poorly conserved position in the protein, it is predicted to be benign by multiple in silico algorithms, and/or has population frequency not consistent with disease.

PreventionGenetics, part of Exact Sciences
Classification: Likely benign for POLG-related condition. Last evaluated: 2019-07-08. Review status: no assertion criteria provided. Collection method: clinical testing. Allele origin: germline. Not counted in ClinVar's aggregate classification.
Comment: This variant is classified as likely benign based on ACMG/AMP sequence variant interpretation guidelines (Richards et al. 2015 PMID: 25741868, with internal and published modifications).

NM_002693.3(POLG):c.3451C>T (p.Leu1151=)

Gene: POLG (DNA polymerase gamma, catalytic subunit; minus strand). Cytogenetic location: 15q26.1.
Variant type: single nucleotide variant.
Coding change: c.3451C>T on transcript NM_002693.3 (MANE Select); coding-DNA position 3451, C replaced by T.
Protein change: p.Leu1151=; no amino-acid change (leucine 1151 retained).
Molecular consequence: synonymous variant.
Genome position (GRCh38, 1-based): chr15:89,318,572, G>A on the plus strand (C>T on the coding strand, the complement: POLG is on the minus strand). VCF-style: chr15-89318572-G-A. GRCh37 (hg19) VCF-style: chr15-89861803-G-A.
Other names: NM_002693.2(POLG):c.3451C>T; p.Leu1151=; c.3451C>T, p.Leu1151= (NM_001126131.2).
Identifiers: ClinVar variation 378418 (VCV000378418.16), dbSNP rs769193603, ClinGen allele CA7724139.